The following is an entry in ClinVar:

ClinVar aggregate classification (germline): Pathogenic/Likely pathogenic. Review status: criteria provided, multiple submitters, no conflicts (2 of 4 stars). 2 submissions from 2 submitters: Pathogenic (1); Likely pathogenic (1). Last evaluated 2024-02-28.

Conditions:
Deficiency of galactokinase. Also called: Galactokinase deficiency with cataracts; GALACTOSEMIA II. Identifiers: Orphanet 352, Orphanet 79237, MedGen C0268155, MONDO:0009255, OMIM 230200.

Allele frequency attached by ClinVar (database versions not stated): gnomAD exomes 0.00001; TOPMed 0.00002; gnomAD 0.00003.
gnomAD v4.1: 14 of 1,613,802 alleles (0.00087%); highest among the groups gnomAD compares: African/African-American, 0.0027%; no homozygotes.

Submissions (2):

Baylor Genetics
Classification: Likely pathogenic for Deficiency of galactokinase. Last evaluated: 2024-02-28. Review status: criteria provided, single submitter. Criteria: ACMG Guidelines, 2015. Collection method: clinical testing. Allele origin: unknown.

Labcorp Genetics (formerly Invitae), Labcorp
Classification: Pathogenic for Deficiency of galactokinase. Last evaluated: 2023-01-11. Review status: criteria provided, single submitter. Criteria: Invitae Variant Classification Sherloc (09022015). Collection method: clinical testing. Allele origin: germline.
Comment: For these reasons, this variant has been classified as Pathogenic. This variant has not been reported in the literature in individuals affected with GALK1-related conditions. This variant is present in population databases (no rsID available, gnomAD 0.004%). This sequence change creates a premature translational stop signal (p.Tyr236*) in the GALK1 gene. It is expected to result in an absent or disrupted protein product. Loss-of-function variants in GALK1 are known to be pathogenic (PMID: 7670469, 10790206).

Literature cited by the submitters: PubMed 7670469 (cited by Labcorp Genetics (formerly Invitae), Labcorp); PubMed 10790206 (cited by Labcorp Genetics (formerly Invitae), Labcorp).

NM_000154.2(GALK1):c.708C>A (p.Tyr236Ter)

Gene: GALK1 (galactokinase 1; minus strand). Cytogenetic location: 17q25.1.
Variant type: single nucleotide variant.
Coding change: c.708C>A on transcript NM_000154.2 (MANE Select); coding-DNA position 708, C replaced by A.
Protein change: p.Tyr236Ter; replaces tyrosine 236 with a stop codon.
Molecular consequence: nonsense.
Genome position (GRCh38, 1-based): chr17:75,762,789, G>T on the plus strand (C>A on the coding strand, the complement: GALK1 is on the minus strand). VCF-style: chr17-75762789-G-T. GRCh37 (hg19) VCF-style: chr17-73758870-G-T.
Other names: c.708C>A, p.Tyr236Ter (NM_001381985.1); short protein forms Y236*.
Identifiers: ClinVar variation 2161092 (VCV002161092.6), dbSNP rs980603321, ClinGen allele CA294088947.
Genomic context (GRCh38, chr17:75,762,789, plus strand): 5'-CCGGAGGCTTTCCTTGCCCAGCGCCCGGGCCACTTCTTCACATTGGCGCCGCCGCACAGG[G>T]TACTCGCTGGAGGCCAGGGAGTGGCGGACATTAGAGTTGGTGATGAGCACGGCCAGCTTG-3'